The following is an entry in ClinVar:

NM_000321.3(RB1):c.-89G>T

Gene: RB1 (RB transcriptional corepressor 1; plus strand). Cytogenetic location: 13q14.2.
Variant type: single nucleotide variant.
Coding change: c.-89G>T on transcript NM_000321.3 (MANE Select); 89 bases upstream of the start codon, G replaced by T.
Molecular consequence: 5 prime UTR variant.
Genome position (GRCh38, 1-based): chr13:48,303,824, G>T. VCF-style: chr13-48303824-G-T. GRCh37 (hg19) VCF-style: chr13-48877960-G-T.
Other names: c.-89G>T (NM_001407165.1, NM_001407166.1, NM_001407167.1).
Identifiers: ClinVar variation 4731528 (VCV004731528.1).

ClinVar aggregate classification (germline): Uncertain significance (1 of 4 stars; one submission).

Conditions:
Retinoblastoma (RB1). Also called: RETINOBLASTOMA, SOMATIC. Identifiers: Orphanet 790, MedGen C0035335, MeSH D012175, MONDO:0008380, OMIM 180200, HP:0009919. Disease mechanism: loss of function. Inheritance: Both sporadic and heritable forms are tested..

Submission:

Labcorp Genetics (formerly Invitae), Labcorp
Classification: Uncertain significance for Retinoblastoma. Last evaluated: 2025-11-19. Review status: criteria provided, single submitter. Criteria: Invitae Variant Classification Sherloc (09022015). Collection method: clinical testing. Allele origin: germline.
Comment: This variant occurs in a non-coding region of the RB1 gene. It does not change the encoded amino acid sequence of the RB1 protein. This variant is not present in population databases (gnomAD no frequency). This variant has not been reported in the literature in individuals affected with RB1-related conditions. In summary, the available evidence is currently insufficient to determine the role of this variant in disease. Therefore, it has been classified as a Variant of Uncertain Significance.